The following is an entry in ClinVar:

ClinVar aggregate classification (germline): Uncertain significance. Review status: criteria provided, multiple submitters, no conflicts (2 of 4 stars). 3 submissions from 3 submitters: Uncertain significance (2). 1 of the submissions does not count toward it. Last evaluated 2024-10-19.

Conditions:
Inborn genetic diseases. Identifiers: MedGen C0950123, MeSH D030342.
Autosomal recessive limb-girdle muscular dystrophy type 2B (LGMDR2). Also called: Limb-Girdle Muscular Dystrophy Type 2B (LGMD2B); MUSCULAR DYSTROPHY, LIMB-GIRDLE, TYPE 3; Limb-girdle muscular dystrophy, type 2B; MUSCULAR DYSTROPHY, LIMB-GIRDLE, AUTOSOMAL RECESSIVE 2. Identifiers: Orphanet 268, MedGen C1850889, MONDO:0009676, OMIM 253601.
Neuromuscular disease caused by qualitative or quantitative defects of dysferlin. Also called: Dysferlinopathy; Qualitative or quantitative defects of dysferlin. Identifiers: Orphanet 207073, MedGen C2931687, MONDO:0016145.

Submissions (3):

Ambry Genetics
Classification: Uncertain significance for Inborn genetic diseases. Last evaluated: 2024-10-19. Review status: criteria provided, single submitter. Criteria: Ambry Variant Classification Scheme 2023. Collection method: clinical testing. Allele origin: germline.

Labcorp Genetics (formerly Invitae), Labcorp
Classification: Uncertain significance for Neuromuscular disease caused by qualitative or quantitative defects of dysferlin. Last evaluated: 2023-12-18. Review status: criteria provided, single submitter. Criteria: Invitae Variant Classification Sherloc (09022015). Collection method: clinical testing. Allele origin: germline.
Comment: This sequence change replaces phenylalanine, which is neutral and non-polar, with leucine, which is neutral and non-polar, at codon 2063 of the DYSF protein (p.Phe2063Leu). This variant is not present in population databases (gnomAD no frequency). This variant has not been reported in the literature in individuals affected with DYSF-related conditions. ClinVar contains an entry for this variant (Variation ID: 1472163). Advanced modeling of protein sequence and biophysical properties (such as structural, functional, and spatial information, amino acid conservation, physicochemical variation, residue mobility, and thermodynamic stability) performed at Invitae indicates that this missense variant is not expected to disrupt DYSF protein function with a negative predictive value of 95%. In summary, the available evidence is currently insufficient to determine the role of this variant in disease. Therefore, it has been classified as a Variant of Uncertain Significance.

Natera, Inc.
Classification: Uncertain significance for Limb-girdle muscular dystrophy type 2B. Last evaluated: 2025-01-29. Review status: no assertion criteria provided. Collection method: clinical testing. Allele origin: germline. Not counted in ClinVar's aggregate classification.

NM_001130987.2(DYSF):c.6306C>G (p.Phe2102Leu)

Gene: DYSF (dysferlin; plus strand). Cytogenetic location: 2p13.2.
Variant type: single nucleotide variant.
Coding change: c.6306C>G on transcript NM_001130987.2 (MANE Select); coding-DNA position 6306, C replaced by G.
Protein change: p.Phe2102Leu; replaces phenylalanine 2102 with leucine.
Molecular consequence: missense variant.
Genome position (GRCh38, 1-based): chr2:71,682,662, C>G. VCF-style: chr2-71682662-C-G. GRCh37 (hg19) VCF-style: chr2-71909792-C-G.
Other names: c.6189C>G (NM_003494.3); c.6303C>G, p.Phe2101Leu (NM_001130981.2); c.6285C>G, p.Phe2095Leu (NM_001130982.2); c.6255C>G, p.Phe2085Leu (NM_001130983.2); c.6213C>G, p.Phe2071Leu (NM_001130984.2); c.6243C>G, p.Phe2081Leu (NM_001130985.2); c.6150C>G, p.Phe2050Leu (NM_001130986.2); c.6189C>G, p.Phe2063Leu (NM_003494.4); and 6 more; short protein forms F2050L, F2063L, F2084L, F2085L, F2102L, F2064L, F2071L, F2080L.
Identifiers: ClinVar variation 1472163 (VCV001472163.10), dbSNP rs2152972132, ClinGen allele CA347227445.